The following is an entry in ClinVar:

NM_022051.3(EGLN1):c.953A>G (p.Asn318Ser)

Gene: EGLN1 (egl-9 family hypoxia inducible factor 1; minus strand). Cytogenetic location: 1q42.2.
Variant type: single nucleotide variant.
Coding change: c.953A>G on transcript NM_022051.3 (MANE Select); coding-DNA position 953, A replaced by G.
Protein change: p.Asn318Ser; replaces asparagine 318 with serine.
Molecular consequence: missense variant.
Genome position (GRCh38, 1-based): chr1:231,374,038, T>C on the plus strand (A>G on the coding strand, the complement: EGLN1 is on the minus strand). VCF-style: chr1-231374038-T-C. GRCh37 (hg19) VCF-style: chr1-231509784-T-C.
Other names: c.953A>G, p.Asn318Ser (NM_001377260.1, NM_001377261.1); short protein forms N318S.
Identifiers: ClinVar variation 3274770 (VCV003274770.1).

ClinVar aggregate classification (germline): Uncertain significance (1 of 4 stars; one submission).

Submission:

Ambry Genetics
Classification: Uncertain significance. Last evaluated: 2024-03-15. Review status: criteria provided, single submitter. Criteria: Ambry Variant Classification Scheme 2023. Collection method: clinical testing. Allele origin: germline.
Comment: The p.N318S variant (also known as c.953A>G), located in coding exon 2 of the EGLN1 gene, results from an A to G substitution at nucleotide position 953. The asparagine at codon 318 is replaced by serine, an amino acid with highly similar properties. This amino acid position is conserved. In addition, this alteration is predicted to be tolerated by in silico analysis. Based on the available evidence, the clinical significance of this alteration remains unclear.